The following is an entry in ClinVar:

NM_000540.3(RYR1):c.14749T>A (p.Phe4917Ile)

Gene: RYR1 (ryanodine receptor 1; plus strand). Cytogenetic location: 19q13.2.
Variant type: single nucleotide variant.
Coding change: c.14749T>A on transcript NM_000540.3 (MANE Select); coding-DNA position 14749, T replaced by A.
Protein change: p.Phe4917Ile; replaces phenylalanine 4917 with isoleucine.
Molecular consequence: missense variant.
Genome position (GRCh38, 1-based): chr19:38,585,045, T>A. VCF-style: chr19-38585045-T-A. GRCh37 (hg19) VCF-style: chr19-39075685-T-A.
Other names: c.14734T>A, p.Phe4912Ile (NM_001042723.2); short protein forms F4912I, F4917I.
Identifiers: ClinVar variation 2768468 (VCV002768468.3), dbSNP rs1599674419, ClinGen allele CA405690772.

ClinVar aggregate classification (germline): Uncertain significance (1 of 4 stars; one submission).

Conditions:
RYR1-related disorder. Also called: RYR1-related condition; RYR1-related disorders. Identifiers: MedGen CN239331.

Submission:

Labcorp Genetics (formerly Invitae), Labcorp
Classification: Uncertain significance for RYR1-related disorder. Last evaluated: 2023-10-14. Review status: criteria provided, single submitter. Criteria: Invitae Variant Classification Sherloc (09022015). Collection method: clinical testing. Allele origin: germline.
Comment: This sequence change replaces phenylalanine, which is neutral and non-polar, with isoleucine, which is neutral and non-polar, at codon 4917 of the RYR1 protein (p.Phe4917Ile). This variant is not present in population databases (gnomAD no frequency). This variant has not been reported in the literature in individuals affected with RYR1-related conditions. Advanced modeling of protein sequence and biophysical properties (such as structural, functional, and spatial information, amino acid conservation, physicochemical variation, residue mobility, and thermodynamic stability) performed at Invitae indicates that this missense variant is expected to disrupt RYR1 protein function. In summary, the available evidence is currently insufficient to determine the role of this variant in disease. Therefore, it has been classified as a Variant of Uncertain Significance.